The following is an entry in ClinVar:

NM_002294.3(LAMP2):c.264dup (p.Ala89fs)

Gene: LAMP2 (lysosome associated membrane protein 2; minus strand). Cytogenetic location: Xq24.
Variant type: Duplication.
Coding change: c.264dup on transcript NM_002294.3 (MANE Select); coding-DNA position 264, one base duplicated (A; older notation c.264dupA).
Protein change: p.Ala89fs; shifts the reading frame from alanine 89.
Molecular consequence: frameshift variant.
Genome position (GRCh38, 1-based): chrX:120,455,490, T duplicated on the plus strand (A on the coding strand, the reverse complement: LAMP2 is on the minus strand). VCF-style (leftmost placement, unchanged base first): chrX-120455489-C-CT. GRCh37 (hg19) VCF-style: chrX-119589344-C-CT.
Other names: c.264dup, p.Ala89fs (NM_001122606.1, NM_013995.2); short protein forms A89fs.
Identifiers: ClinVar variation 2059493 (VCV002059493.4), dbSNP rs2520907960, ClinGen allele CA2580100338.

ClinVar aggregate classification (germline): Pathogenic (1 of 4 stars; one submission).

Conditions:
Danon disease. Also called: GSD IIb; LYSOSOMAL GLYCOGEN STORAGE DISEASE WITHOUT ACID MALTASE DEFICIENCY; Glycogen Storage Disease Type IIb; PSEUDOGLYCOGENOSIS II; ANTOPOL DISEASE. Identifiers: Orphanet 34587, MedGen C0878677, MONDO:0010281, OMIM 300257.

Submission:

Labcorp Genetics (formerly Invitae), Labcorp
Classification: Pathogenic for Danon disease. Last evaluated: 2022-03-07. Review status: criteria provided, single submitter. Criteria: Invitae Variant Classification Sherloc (09022015). Collection method: clinical testing. Allele origin: germline.
Comment: This variant is not present in population databases (gnomAD no frequency). For these reasons, this variant has been classified as Pathogenic. This variant has not been reported in the literature in individuals affected with LAMP2-related conditions. This sequence change creates a premature translational stop signal (p.Ala89Serfs*24) in the LAMP2 gene. It is expected to result in an absent or disrupted protein product. Loss-of-function variants in LAMP2 are known to be pathogenic (PMID: 21415759).

Literature cited by the submitters: PubMed 21415759.